The following is an entry in ClinVar:

NM_002457.5(MUC2):c.12003A>G (p.Pro4001=)

Gene: MUC2 (mucin 2, oligomeric mucus/gel-forming; plus strand). Cytogenetic location: 11p15.5.
Variant type: single nucleotide variant.
Coding change: c.12003A>G on transcript NM_002457.5 (MANE Select); coding-DNA position 12003, A replaced by G.
Protein change: p.Pro4001=; no amino-acid change (proline 4001 retained).
Molecular consequence: synonymous variant.
Genome position (GRCh38, 1-based): chr11:1,099,337, A>G. VCF-style: chr11-1099337-A-G. GRCh37 (hg19) VCF-style: chr11-1093245-A-G.
Identifiers: ClinVar variation 3898270 (VCV003898270.7).

ClinVar aggregate classification (germline): Likely benign (1 of 4 stars; one submission).

Submission:

CeGaT Center for Human Genetics Tuebingen
Classification: Likely benign. Last evaluated: 2025-04-01. Review status: criteria provided, single submitter. Criteria: CeGaT Center For Human Genetics Tuebingen Variant Classification Criteria Version 2. Collection method: clinical testing. Allele origin: germline. Affected: yes. Observed: 1 variant allele.
Comment: MUC2: BP4, BP7